The following is an entry in ClinVar:

NM_001318734.2(KLC2):c.497A>T (p.Asp166Val)

Genes: KLC2 (kinesin light chain 2; plus strand), KLC2-AS1 (KLC2 antisense RNA 1; minus strand). Cytogenetic location: 11q13.2.
Variant type: single nucleotide variant.
Coding change: c.497A>T on transcript NM_001318734.2 (MANE Select); coding-DNA position 497, A replaced by T.
Protein change: p.Asp166Val; replaces aspartic acid 166 with valine.
Molecular consequence: missense variant.
Genome position (GRCh38, 1-based): chr11:66,262,160, A>T. VCF-style: chr11-66262160-A-T. GRCh37 (hg19) VCF-style: chr11-66029631-A-T.
Other names: c.266A>T, p.Asp89Val (NM_001134774.2); c.497A>T, p.Asp166Val (NM_001134775.2, NM_001134776.2, NM_022822.3); c.497A>T (NM_001134775.1); short protein forms D89V, D166V.
Identifiers: ClinVar variation 2694428 (VCV002694428.4), dbSNP rs751238282, ClinGen allele CA6117101.
Genomic context (GRCh38, chr11:66,262,160, plus strand): 5'-GCTCATCCTGTCTTCCTTCCCAGGAGGAGAAGGGGGACGTCCCCAAAGACACACTGGATG[A>T]CCTGTTCCCCAATGAGGATGAGCAGAGCCCAGGTGCGGATGGGCAGTTCTGGAGTGGGGG-3'
Protein context (NP_001305663.1, residues 156-176): KGDVPKDTLD[Asp166Val]LFPNEDEQSP

ClinVar aggregate classification (germline): Uncertain significance. Review status: criteria provided, multiple submitters, no conflicts (2 of 4 stars). 2 submissions from 2 submitters: Uncertain significance (2). Last evaluated 2025-10-01.

Allele frequency attached by ClinVar (database versions not stated): ExAC 0.00005; gnomAD 0.00006; TOPMed 0.00011; gnomAD exomes 0.00001.
gnomAD v4.1: 50 of 1,613,286 alleles (0.0031%); highest among the groups gnomAD compares: East Asian, 0.038%; no homozygotes.

Submissions (2):

Ambry Genetics
Classification: Uncertain significance. Last evaluated: 2025-10-01. Review status: criteria provided, single submitter. Criteria: Ambry Variant Classification Scheme 2023. Collection method: clinical testing. Allele origin: germline.

Labcorp Genetics (formerly Invitae), Labcorp
Classification: Uncertain significance. Last evaluated: 2024-01-06. Review status: criteria provided, single submitter. Criteria: Invitae Variant Classification Sherloc (09022015). Collection method: clinical testing. Allele origin: germline.
Comment: This sequence change replaces aspartic acid, which is acidic and polar, with valine, which is neutral and non-polar, at codon 166 of the KLC2 protein (p.Asp166Val). This variant is present in population databases (rs751238282, gnomAD 0.07%), and has an allele count higher than expected for a pathogenic variant. This variant has not been reported in the literature in individuals affected with KLC2-related conditions. An algorithm developed to predict the effect of missense changes on protein structure and function (PolyPhen-2) suggests that this variant is likely to be disruptive. In summary, the available evidence is currently insufficient to determine the role of this variant in disease. Therefore, it has been classified as a Variant of Uncertain Significance.